The following is an entry in ClinVar:

NM_004168.4(SDHA):c.549C>T (p.Gly183=)

Gene: SDHA (succinate dehydrogenase complex flavoprotein subunit A; plus strand). Cytogenetic location: 5p15.33.
Variant type: single nucleotide variant.
Coding change: c.549C>T on transcript NM_004168.4 (MANE Select); coding-DNA position 549, C replaced by T.
Protein change: p.Gly183=; no amino-acid change (glycine 183 retained).
Molecular consequence: synonymous variant.
Genome position (GRCh38, 1-based): chr5:225,975, C>T. VCF-style: chr5-225975-C-T. GRCh37 (hg19) VCF-style: chr5-226090-C-T.
Other names: p.Gly183=; c.405C>T, p.Gly135= (NM_001294332.2); c.549C>T, p.Gly183= (NM_001330758.2).
Identifiers: ClinVar variation 252909 (VCV000252909.65), dbSNP rs61733344, ClinGen allele CA3172874.

ClinVar aggregate classification (germline): Conflicting classifications of pathogenicity. Review status: criteria provided, conflicting classifications (1 of 4 stars). 18 submissions from 16 submitters: Uncertain significance (1); Benign (12); Likely benign (2). 3 of the submissions do not count toward it. Last evaluated 2026-08-01.

Conditions:
Dilated cardiomyopathy 1GG (CMD1GG). Identifiers: Orphanet 154, MedGen C3150898, MONDO:0013339, OMIM 613642.
Mitochondrial complex II deficiency, nuclear type 1. Also called: SUCCINATE CoQ REDUCTASE DEFICIENCY. Identifiers: Orphanet 3208, MedGen C5700310, MONDO:0100294, OMIM 252011.
Pheochromocytoma/paraganglioma syndrome 5. Also called: Paragangliomas 5; SDHA-Related Hereditary Paraganglioma-Pheochromocytoma Syndrome. Identifiers: Orphanet 29072, MedGen C3279992, MONDO:0013602, OMIM 614165.
Neurodegeneration with ataxia and late-onset optic atrophy. Identifiers: MedGen C5543254, MONDO:0031006, OMIM 619259.
Hereditary cancer-predisposing syndrome. Also called: Hereditary neoplastic syndrome; Hereditary Cancer Syndrome; Neoplastic Syndromes, Hereditary; Tumor predisposition. Identifiers: Orphanet 140162, MedGen C0027672, MeSH D009386, MONDO:0015356.
Hereditary pheochromocytoma and paraganglioma. Also called: Hereditary pheochromocytoma-paraganglioma; Hereditary Paraganglioma-Pheochromocytoma Syndromes; Hereditary paragangliomas and pheochromocytomas. Identifiers: Orphanet 29072, MedGen C4274332, MONDO:0017366.
Leigh syndrome (NULS). Also called: Leigh Syndrome (mtDNA deletion); Leigh's syndrome; Leigh's necrotizing encephalopathy; Leigh's disease; Leigh Disease; Subacute necrotizing encephalopathy. Identifiers: Orphanet 506, MedGen C2931891, MONDO:0009723, OMIM 256000.

Allele frequency attached by ClinVar (database versions not stated): gnomAD exomes 0.00118 and 0.00258; ExAC 0.00273; gnomAD 0.00829 and 0.00892; ESP Exome Variant Server 0.00907; 1000 Genomes Project 0.00919; 1000 Genomes Project 30x 0.00999; TOPMed 0.01048.
gnomAD v4.1: 3,129 of 1,614,096 alleles (0.19%); highest among the groups gnomAD compares: African/African-American, 2.6%; 29 homozygotes.

Submissions (29):

CeGaT Center for Human Genetics Tuebingen
Classification: Benign. Last evaluated: 2026-08-01. Review status: criteria provided, single submitter. Criteria: CeGaT Center For Human Genetics Tuebingen Variant Classification Criteria Version 2. Collection method: clinical testing. Allele origin: germline. Affected: yes. Observed: 21 variant alleles.
Comment: SDHA: BP4, BP7, BS1, BS2

Labcorp Genetics (formerly Invitae), Labcorp
Classification: Benign for Pheochromocytoma/paraganglioma syndrome 5; Mitochondrial complex II deficiency, nuclear type 1. Last evaluated: 2026-02-04. Review status: criteria provided, single submitter. Criteria: Invitae Variant Classification Sherloc (09022015). Collection method: clinical testing. Allele origin: germline.

Quest Diagnostics Nichols Institute San Juan Capistrano
Classification: Benign. Last evaluated: 2025-04-08. Review status: criteria provided, single submitter. Criteria: Quest Diagnostics criteria. Collection method: clinical testing. Allele origin: unknown.

Myriad Genetics, Inc.
Classification: Benign for Pheochromocytoma/paraganglioma syndrome 5. Last evaluated: 2025-02-28. Review status: criteria provided, single submitter. Criteria: Myriad Autosomal Dominant, Autosomal Recessive and X-Linked Classification Criteria (2023). Collection method: clinical testing. Allele origin: unknown.
Comment: This variant is considered benign. This variant is a silent/synonymous amino acid change and it is not expected to impact splicing.

Mayo Clinic Laboratories, Mayo Clinic
Classification: Likely benign. Last evaluated: 2024-11-17. Review status: criteria provided, single submitter. Criteria: ACMG Guidelines, 2015. Collection method: clinical testing. Allele origin: germline. Observed: 14 variant alleles.
Comment: BS1, BP4, BP7

ARUP Laboratories, Molecular Genetics and Genomics, ARUP Laboratories
Classification: Benign. Last evaluated: 2023-09-28. Review status: criteria provided, single submitter. Criteria: ARUP Molecular Germline Variant Investigation Process 2024. Collection method: clinical testing. Allele origin: germline.

KCCC/NGS Laboratory, Kuwait Cancer Control Center
Classification: Benign for Pheochromocytoma/paraganglioma syndrome 5. Last evaluated: 2023-07-07. Review status: criteria provided, single submitter. Criteria: ACMG Guidelines, 2015. Collection method: clinical testing. Allele origin: germline. Affected: yes.

Genetic Services Laboratory, University of Chicago
Classification: Benign. Last evaluated: 2022-01-04. Review status: criteria provided, single submitter. Criteria: ACMG Guidelines, 2015. Collection method: clinical testing. Allele origin: germline. Affected: no.

Department of Pathology and Laboratory Medicine, Sinai Health System
Classification: Benign for Mitochondrial complex II deficiency, nuclear type 1; Dilated cardiomyopathy 1GG; Pheochromocytoma/paraganglioma syndrome 5; Neurodegeneration with ataxia and late-onset optic atrophy. Last evaluated: 2021-10-13. Review status: criteria provided, single submitter. Criteria: ACMG Guidelines, 2015. Collection method: clinical testing. Allele origin: germline. Affected: yes.

Sema4
Classification: Benign for Hereditary cancer-predisposing syndrome. Last evaluated: 2021-05-06. Review status: criteria provided, single submitter. Criteria: Sema4 Curation Guidelines. Collection method: curation. Allele origin: germline.

Illumina Laboratory Services, Illumina
Classification: Likely benign for Leigh syndrome. Last evaluated: 2018-01-12. Review status: criteria provided, single submitter. Criteria: ICSL Variant Classification Criteria 13 December 2019. Collection method: clinical testing. Allele origin: germline.
Comment: This variant was observed in the ICSL laboratory as part of a predisposition screen in an ostensibly healthy population. It had not been previously curated by ICSL or reported in the Human Gene Mutation Database (HGMD: prior to June 1st, 2018), and was therefore a candidate for classification through an automated scoring system. Utilizing variant allele frequency, disease prevalence and penetrance estimates, and inheritance mode, an automated score was calculated to assess if this variant is too frequent to cause the disease. Based on the score and internal cut-off values, a variant classified as likely benign is not then subjected to further curation. The score for this variant resulted in a classification of likely benign for this disease.

Illumina Laboratory Services, Illumina
Classification: Benign for Hereditary Paraganglioma-Pheochromocytoma Syndromes. Last evaluated: 2018-01-12. Review status: criteria provided, single submitter. Criteria: ICSL Variant Classification Criteria 13 December 2019. Collection method: clinical testing. Allele origin: germline.
Comment: This variant was observed in the ICSL laboratory as part of a predisposition screen in an ostensibly healthy population. It had not been previously curated by ICSL or reported in the Human Gene Mutation Database (HGMD: prior to June 1st, 2018), and was therefore a candidate for classification through an automated scoring system. Utilizing variant allele frequency, disease prevalence and penetrance estimates, and inheritance mode, an automated score was calculated to assess if this variant is too frequent to cause the disease. Based on the score and internal cut-off values, a variant classified as benign is not then subjected to further curation. The score for this variant resulted in a classification of benign for this disease.

Illumina Laboratory Services, Illumina
Classification: Uncertain significance for Mitochondrial complex II deficiency, nuclear type 1. Last evaluated: 2018-01-12. Review status: criteria provided, single submitter. Criteria: ICSL Variant Classification Criteria 13 December 2019. Collection method: clinical testing. Allele origin: germline.

GeneDx
Classification: Benign. Last evaluated: 2016-03-01. Review status: criteria provided, single submitter. Criteria: GeneDx Variant Classification (06012015). Collection method: clinical testing. Allele origin: germline. Affected: yes.
Comment: This variant is considered likely benign or benign based on one or more of the following criteria: it is a conservative change, it occurs at a poorly conserved position in the protein, it is predicted to be benign by multiple in silico algorithms, and/or has population frequency not consistent with disease.

Ambry Genetics
Classification: Benign for Hereditary cancer-predisposing syndrome. Last evaluated: 2014-12-10. Review status: criteria provided, single submitter. Criteria: Ambry Variant Classification Scheme 2023. Collection method: clinical testing. Allele origin: germline.

Clinical Genetics DNA and cytogenetics Diagnostics Lab, Erasmus MC, Erasmus Medical Center
Classification: Benign. Review status: no assertion criteria provided. Collection method: clinical testing. Allele origin: germline. Affected: yes. Study: VKGL Data-share Consensus. Not counted in ClinVar's aggregate classification.

Dr. Peter K. Rogan Lab, Western University
No classification provided (evidence only). Condition: Clear cell carcinoma of kidney. Review status: no classification provided. Collection method: in vitro. Allele origin: not applicable. Functional consequence: retained intron. Not counted in ClinVar's aggregate classification.

Dr. Peter K. Rogan Lab, Western University
No classification provided (evidence only). Condition: Melanoma. Review status: no classification provided. Collection method: in vitro. Allele origin: not applicable. Functional consequence: retained intron. Not counted in ClinVar's aggregate classification.

Dr. Peter K. Rogan Lab, Western University
No classification provided (evidence only). Condition: Melanoma. Review status: no classification provided. Collection method: in vitro. Allele origin: not applicable. Functional consequence: retained intron. Not counted in ClinVar's aggregate classification.

Dr. Peter K. Rogan Lab, Western University
No classification provided (evidence only). Condition: Uterine corpus endometrial carcinoma. Review status: no classification provided. Collection method: in vitro. Allele origin: not applicable. Functional consequence: retained intron. Not counted in ClinVar's aggregate classification.

Dr. Peter K. Rogan Lab, Western University
No classification provided (evidence only). Condition: Sarcoma. Review status: no classification provided. Collection method: in vitro. Allele origin: not applicable. Functional consequence: retained intron. Not counted in ClinVar's aggregate classification.

Dr. Peter K. Rogan Lab, Western University
No classification provided (evidence only). Condition: Ovarian serous cystadenocarcinoma. Review status: no classification provided. Collection method: in vitro. Allele origin: not applicable. Functional consequence: retained intron. Not counted in ClinVar's aggregate classification.

Dr. Peter K. Rogan Lab, Western University
No classification provided (evidence only). Condition: Ovarian serous cystadenocarcinoma. Review status: no classification provided. Collection method: in vitro. Allele origin: not applicable. Functional consequence: retained intron. Not counted in ClinVar's aggregate classification.

Dr. Peter K. Rogan Lab, Western University
No classification provided (evidence only). Condition: Ovarian serous cystadenocarcinoma. Review status: no classification provided. Collection method: in vitro. Allele origin: not applicable. Functional consequence: retained intron. Not counted in ClinVar's aggregate classification.

Dr. Peter K. Rogan Lab, Western University
No classification provided (evidence only). Condition: Ovarian serous cystadenocarcinoma. Review status: no classification provided. Collection method: in vitro. Allele origin: not applicable. Functional consequence: retained intron. Not counted in ClinVar's aggregate classification.

Dr. Peter K. Rogan Lab, Western University
No classification provided (evidence only). Condition: Gastric cancer. Review status: no classification provided. Collection method: in vitro. Allele origin: not applicable. Functional consequence: retained intron. Not counted in ClinVar's aggregate classification.

Dr. Peter K. Rogan Lab, Western University
No classification provided (evidence only). Condition: Uterine carcinosarcoma. Review status: no classification provided. Collection method: in vitro. Allele origin: not applicable. Functional consequence: retained intron. Not counted in ClinVar's aggregate classification.

Genome Diagnostics Laboratory, Amsterdam University Medical Center
Classification: Benign. Review status: no assertion criteria provided. Collection method: clinical testing. Allele origin: germline. Affected: yes. Study: VKGL Data-share Consensus. Not counted in ClinVar's aggregate classification.

Joint Genome Diagnostic Labs from Nijmegen and Maastricht, Radboudumc and MUMC+
Classification: Benign. Review status: no assertion criteria provided. Collection method: clinical testing. Allele origin: germline. Affected: yes. Study: VKGL Data-share Consensus. Not counted in ClinVar's aggregate classification.

Literature cited by the submitters: PubMed 31527833 (cited by Quest Diagnostics Nichols Institute San Juan Capistrano); PubMed 23666964 (cited by Quest Diagnostics Nichols Institute San Juan Capistrano).